The following is an entry in ClinVar:

NM_001385012.1(NBEA):c.6460C>G (p.Leu2154Val)

Gene: NBEA (neurobeachin; plus strand). Cytogenetic location: 13q13.3.
Variant type: single nucleotide variant.
Coding change: c.6460C>G on transcript NM_001385012.1 (MANE Select); coding-DNA position 6460, C replaced by G.
Protein change: p.Leu2154Val; replaces leucine 2154 with valine.
Molecular consequence: missense variant.
Genome position (GRCh38, 1-based): chr13:35,472,411, C>G. VCF-style: chr13-35472411-C-G. GRCh37 (hg19) VCF-style: chr13-36046548-C-G.
Other names: c.6451C>G, p.Leu2151Val (NM_001379245.1); c.6460C>G, p.Leu2154Val (NM_015678.5); short protein forms L2151V, L2154V.
Identifiers: ClinVar variation 1369907 (VCV001369907.8), dbSNP rs371213802, ClinGen allele CA387983552.

ClinVar aggregate classification (germline): Uncertain significance (1 of 4 stars; one submission).

Submission:

Labcorp Genetics (formerly Invitae), Labcorp
Classification: Uncertain significance. Last evaluated: 2021-07-26. Review status: criteria provided, single submitter. Criteria: Invitae Variant Classification Sherloc (09022015). Collection method: clinical testing. Allele origin: germline.
Comment: This sequence change replaces leucine with valine at codon 2154 of the NBEA protein (p.Leu2154Val). The leucine residue is moderately conserved and there is a small physicochemical difference between leucine and valine. This variant is not present in population databases (ExAC no frequency). This variant has not been reported in the literature in individuals affected with NBEA-related conditions. Algorithms developed to predict the effect of missense changes on protein structure and function (SIFT, PolyPhen-2, Align-GVGD) all suggest that this variant is likely to be tolerated. In summary, the available evidence is currently insufficient to determine the role of this variant in disease. Therefore, it has been classified as a Variant of Uncertain Significance.